The following is an entry in ClinVar:

NM_002838.5(PTPRC):c.2822C>T (p.Pro941Leu)

Gene: PTPRC (protein tyrosine phosphatase receptor type C; plus strand). Cytogenetic location: 1q32.1.
Variant type: single nucleotide variant.
Coding change: c.2822C>T on transcript NM_002838.5 (MANE Select); coding-DNA position 2822, C replaced by T.
Protein change: p.Pro941Leu; replaces proline 941 with leucine.
Molecular consequence: missense variant.
Genome position (GRCh38, 1-based): chr1:198,744,178, C>T. VCF-style: chr1-198744178-C-T. GRCh37 (hg19) VCF-style: chr1-198713307-C-T.
Other names: c.2339C>T, p.Pro780Leu (NM_080921.4); short protein forms P780L, P941L.
Identifiers: ClinVar variation 1005056 (VCV001005056.6), dbSNP rs577595945, ClinGen allele CA1315243.

ClinVar aggregate classification (germline): Uncertain significance (1 of 4 stars; one submission).

Conditions:
Immunodeficiency 104. Also called: Severe combined immunodeficiency, autosomal recessive, T cell-negative, B cell-positive, NK cell-positive; IMMUNODEFICIENCY 104, SEVERE COMBINED; SCID, AUTOSOMAL RECESSIVE, T CELL-NEGATIVE, B CELL-POSITIVE, NK CELL-POSITIVE; Severe Combined Immune Deficiency, Autosomal Recessive, TCell -Negative, B Cell-Positive, NK Cell-Positive, IL7R-Related. Identifiers: MedGen C5676890, MONDO:0012163, OMIM 608971.

Allele frequency attached by ClinVar (database versions not stated): ExAC 0.00001; gnomAD 0.00001; gnomAD exomes 0.00002; TOPMed 0.00002.
gnomAD v4.1: 35 of 1,606,384 alleles (0.0022%); highest among the groups gnomAD compares: Non-Finnish European, 0.0027%; no homozygotes.

Submission:

Labcorp Genetics (formerly Invitae), Labcorp
Classification: Uncertain significance for Immunodeficiency 104. Last evaluated: 2022-02-25. Review status: criteria provided, single submitter. Criteria: Invitae Variant Classification Sherloc (09022015). Collection method: clinical testing. Allele origin: germline.
Comment: This sequence change replaces proline, which is neutral and non-polar, with leucine, which is neutral and non-polar, at codon 941 of the PTPRC protein (p.Pro941Leu). This variant is present in population databases (rs577595945, gnomAD 0.004%). This variant has not been reported in the literature in individuals affected with PTPRC-related conditions. ClinVar contains an entry for this variant (Variation ID: 1005056). Algorithms developed to predict the effect of missense changes on protein structure and function are either unavailable or do not agree on the potential impact of this missense change (SIFT: "Deleterious"; PolyPhen-2: "Benign"; Align-GVGD: "Class C65"). In summary, the available evidence is currently insufficient to determine the role of this variant in disease. Therefore, it has been classified as a Variant of Uncertain Significance.